The following is an entry in ClinVar:

NM_201253.3(CRB1):c.526C>T (p.Pro176Ser)

Gene: CRB1 (crumbs cell polarity complex component 1; plus strand). Cytogenetic location: 1q31.3.
Variant type: single nucleotide variant.
Coding change: c.526C>T on transcript NM_201253.3 (MANE Select); coding-DNA position 526, C replaced by T.
Protein change: p.Pro176Ser; replaces proline 176 with serine.
Molecular consequence: missense variant. On other transcripts: non-coding transcript variant (2).
Genome position (GRCh38, 1-based): chr1:197,328,877, C>T. VCF-style: chr1-197328877-C-T. GRCh37 (hg19) VCF-style: chr1-197298007-C-T.
Other names: c.526C>T, p.Pro176Ser (NM_001193640.2, NM_001257966.2); c.319C>T, p.Pro107Ser (NM_001257965.2); short protein forms P107S, P176S.
Identifiers: ClinVar variation 1959123 (VCV001959123.5), dbSNP rs1658689631, ClinGen allele CA344085966.

ClinVar aggregate classification (germline): Uncertain significance (1 of 4 stars; one submission).

Conditions:
Leber congenital amaurosis 8 (LCA8). Identifiers: Orphanet 65, MedGen C3151202, MONDO:0013453, OMIM 613835.
Retinitis pigmentosa 12 (RP12). Also called: RP WITH OR WITHOUT PRESERVED PARAARTERIOLE RETINAL PIGMENT EPITHELIUM; RETINITIS PIGMENTOSA WITH OR WITHOUT PARAARTERIOLAR PRESERVATION OF RETINAL PIGMENT EPITHELIUM; RP WITH OR WITHOUT PPRPE. Identifiers: Orphanet 791, MedGen C1838647, MONDO:0010818, OMIM 600105.

Submission:

Labcorp Genetics (formerly Invitae), Labcorp
Classification: Uncertain significance for Leber congenital amaurosis 8; Retinitis pigmentosa 12. Last evaluated: 2022-07-23. Review status: criteria provided, single submitter. Criteria: Invitae Variant Classification Sherloc (09022015). Collection method: clinical testing. Allele origin: germline.
Comment: Advanced modeling of protein sequence and biophysical properties (such as structural, functional, and spatial information, amino acid conservation, physicochemical variation, residue mobility, and thermodynamic stability) performed at Invitae indicates that this missense variant is expected to disrupt CRB1 protein function. This sequence change replaces proline, which is neutral and non-polar, with serine, which is neutral and polar, at codon 176 of the CRB1 protein (p.Pro176Ser). This variant is not present in population databases (gnomAD no frequency). This variant has not been reported in the literature in individuals affected with CRB1-related conditions. In summary, the available evidence is currently insufficient to determine the role of this variant in disease. Therefore, it has been classified as a Variant of Uncertain Significance.